The following is an entry in ClinVar:

NM_001270508.2(TNFAIP3):c.966T>G (p.Thr322=)

Gene: TNFAIP3 (TNF alpha induced protein 3; plus strand). Cytogenetic location: 6q23.3.
Variant type: single nucleotide variant.
Coding change: c.966T>G on transcript NM_001270508.2 (MANE Select); coding-DNA position 966, T replaced by G.
Protein change: p.Thr322=; no amino-acid change (threonine 322 retained).
Molecular consequence: synonymous variant.
Genome position (GRCh38, 1-based): chr6:137,877,236, T>G. VCF-style: chr6-137877236-T-G. GRCh37 (hg19) VCF-style: chr6-138198373-T-G.
Other names: c.966T>G, p.Thr322= (NM_001270507.2, NM_006290.4).
Identifiers: ClinVar variation 1112233 (VCV001112233.32), dbSNP rs543150550, ClinGen allele CA4019551.

ClinVar aggregate classification (germline): Likely benign. Review status: criteria provided, multiple submitters, no conflicts (2 of 4 stars). 2 submissions from 2 submitters: Likely benign (2). Last evaluated 2024-09-05.

Allele frequency attached by ClinVar (database versions not stated): gnomAD 0.00004 and 0.00005; gnomAD exomes 0.00004 and 0.00005; TOPMed 0.00004; ExAC 0.00009; 1000 Genomes Project 30x 0.00016; 1000 Genomes Project 0.00020.

Submissions (2):

Labcorp Genetics (formerly Invitae), Labcorp
Classification: Likely benign. Last evaluated: 2024-09-05. Review status: criteria provided, single submitter. Criteria: Invitae Variant Classification Sherloc (09022015). Collection method: clinical testing. Allele origin: germline.

CeGaT Center for Human Genetics Tuebingen
Classification: Likely benign. Last evaluated: 2023-09-01. Review status: criteria provided, single submitter. Criteria: CeGaT Center For Human Genetics Tuebingen Variant Classification Criteria Version 2. Collection method: clinical testing. Allele origin: germline. Affected: yes. Observed: 1 variant allele.
Comment: TNFAIP3: BP4, BP7